The following is an entry in ClinVar:

NM_016592.5(GNAS):c.561C>T (p.Ser187=)

Genes: GNAS (GNAS complex locus; plus strand), GNAS-AS1 (GNAS antisense RNA 1; minus strand). Cytogenetic location: 20q13.32.
Variant type: single nucleotide variant.
Coding change: c.561C>T on transcript NM_016592.5 (MANE Plus Clinical); coding-DNA position 561, C replaced by T.
Protein change: p.Ser187=; no amino-acid change (serine 187 retained).
Molecular consequence: synonymous variant. On other transcripts: 5 prime UTR variant (1).
Genome position (GRCh38, 1-based): chr20:58,840,667, C>T. VCF-style: chr20-58840667-C-T. GRCh37 (hg19) VCF-style: chr20-57415722-C-T.
Other names: c.-177C>T (NM_001410912.1).
Identifiers: ClinVar variation 3905560 (VCV003905560.10).

ClinVar aggregate classification (germline): Likely benign (1 of 4 stars; one submission).

gnomAD v4.1: 7 of 1,605,198 alleles (0.00044%); highest among the groups gnomAD compares: South Asian, 0.0077%; no homozygotes.

Submission:

CeGaT Center for Human Genetics Tuebingen
Classification: Likely benign. Last evaluated: 2025-05-01. Review status: criteria provided, single submitter. Criteria: CeGaT Center For Human Genetics Tuebingen Variant Classification Criteria Version 2. Collection method: clinical testing. Allele origin: germline. Affected: yes. Observed: 1 variant allele.
Comment: GNAS: BP4, BP7